The following is an entry in ClinVar:

NM_016955.4(SEPSECS):c.1120+12T>C

Gene: SEPSECS (Sep (O-phosphoserine) tRNA:Sec (selenocysteine) tRNA synthase; minus strand). Cytogenetic location: 4p15.2.
Variant type: single nucleotide variant.
Coding change: c.1120+12T>C on transcript NM_016955.4 (MANE Select); 12 bases into the intron after coding-DNA position 1120, T replaced by C.
Molecular consequence: intron variant.
Genome position (GRCh38, 1-based): chr4:25,127,252, A>G on the plus strand (T>C on the coding strand, the complement: SEPSECS is on the minus strand). VCF-style: chr4-25127252-A-G. GRCh37 (hg19) VCF-style: chr4-25128874-A-G.
Identifiers: ClinVar variation 348553 (VCV000348553.14), dbSNP rs4697552, ClinGen allele CA2877237.

ClinVar aggregate classification (germline): Benign. Review status: criteria provided, multiple submitters, no conflicts (2 of 4 stars). 4 submissions from 4 submitters: Benign (4). Last evaluated 2026-02-04.

Conditions:
Pontocerebellar hypoplasia type 2D (PCH2D). Also called: Progressive cerebello-cerebral atrophy. Identifiers: Orphanet 247198, Orphanet 2524, MedGen C3151140, MONDO:0013438, OMIM 613811.

Allele frequency attached by ClinVar (database versions not stated): ESP Exome Variant Server 0.00100; gnomAD exomes 0.00617 and 0.01456; gnomAD 0.00916 and 0.00982; TOPMed 0.01062; ExAC 0.01159; 1000 Genomes Project 30x 0.01827; 1000 Genomes Project 0.01917.
gnomAD v4.1: 10,384 of 1,584,296 alleles (0.66%); highest among the groups gnomAD compares: East Asian, 5.8%; 245 homozygotes.

Submissions (4):

Labcorp Genetics (formerly Invitae), Labcorp
Classification: Benign. Last evaluated: 2026-02-04. Review status: criteria provided, single submitter. Criteria: Invitae Variant Classification Sherloc (09022015). Collection method: clinical testing. Allele origin: germline.

Illumina Laboratory Services, Illumina
Classification: Benign for Pontocerebellar hypoplasia type 2D. Last evaluated: 2018-01-13. Review status: criteria provided, single submitter. Criteria: ICSL Variant Classification Criteria 13 December 2019. Collection method: clinical testing. Allele origin: germline.
Comment: This variant was observed in the ICSL laboratory as part of a predisposition screen in an ostensibly healthy population. It had not been previously curated by ICSL or reported in the Human Gene Mutation Database (HGMD: prior to June 1st, 2018), and was therefore a candidate for classification through an automated scoring system. Utilizing variant allele frequency, disease prevalence and penetrance estimates, and inheritance mode, an automated score was calculated to assess if this variant is too frequent to cause the disease. Based on the score and internal cut-off values, a variant classified as benign is not then subjected to further curation. The score for this variant resulted in a classification of benign for this disease.

GeneDx
Classification: Benign. Last evaluated: 2016-04-29. Review status: criteria provided, single submitter. Criteria: GeneDx Variant Classification (06012015). Collection method: clinical testing. Allele origin: germline. Affected: yes.
Comment: This variant is considered likely benign or benign based on one or more of the following criteria: it is a conservative change, it occurs at a poorly conserved position in the protein, it is predicted to be benign by multiple in silico algorithms, and/or has population frequency not consistent with disease.

Breakthrough Genomics
Classification: Benign. Review status: criteria provided, single submitter. Criteria: ACMG Guidelines, 2015. Collection method: not provided. Allele origin: germline. Inheritance: Autosomal recessive inheritance. Affected: yes.